The following is an entry in ClinVar:

ClinVar aggregate classification (germline): Uncertain significance. Review status: criteria provided, multiple submitters, no conflicts (2 of 4 stars). 3 submissions from 3 submitters: Uncertain significance (3). Last evaluated 2025-09-30.

Conditions:
Chédiak-Higashi syndrome (CHS). Also called: Chediak-Higashi Syndrome. Identifiers: Orphanet 167, MedGen C0007965, MONDO:0008963, OMIM 214500.
Inborn genetic diseases. Identifiers: MedGen C0950123, MeSH D030342.

Allele frequency attached by ClinVar (database versions not stated): gnomAD 0.00001; gnomAD exomes 0.00001; ExAC 0.00002; TOPMed 0.00003.
gnomAD v4.1: 18 of 1,612,644 alleles (0.0011%); highest among the groups gnomAD compares: East Asian, 0.0022%; no homozygotes.

Submissions (3):

Ambry Genetics
Classification: Uncertain significance for Inborn genetic diseases. Last evaluated: 2025-09-30. Review status: criteria provided, single submitter. Criteria: Ambry Variant Classification Scheme 2023. Collection method: clinical testing. Allele origin: germline.

Labcorp Genetics (formerly Invitae), Labcorp
Classification: Uncertain significance for Chédiak-Higashi syndrome. Last evaluated: 2022-06-23. Review status: criteria provided, single submitter. Criteria: Invitae Variant Classification Sherloc (09022015). Collection method: clinical testing. Allele origin: germline.
Comment: This sequence change replaces asparagine, which is neutral and polar, with serine, which is neutral and polar, at codon 638 of the LYST protein (p.Asn638Ser). This variant is present in population databases (rs757471831, gnomAD 0.006%). This variant has not been reported in the literature in individuals affected with LYST-related conditions. ClinVar contains an entry for this variant (Variation ID: 839414). Algorithms developed to predict the effect of missense changes on protein structure and function output the following: SIFT: "Tolerated"; PolyPhen-2: "Benign"; Align-GVGD: "Class C0". The serine amino acid residue is found in multiple mammalian species, which suggests that this missense change does not adversely affect protein function. In summary, the available evidence is currently insufficient to determine the role of this variant in disease. Therefore, it has been classified as a Variant of Uncertain Significance.

Illumina Laboratory Services, Illumina
Classification: Uncertain significance for Chédiak-Higashi syndrome. Last evaluated: 2018-01-12. Review status: criteria provided, single submitter. Criteria: ICSL Variant Classification Criteria 13 December 2019. Collection method: clinical testing. Allele origin: germline.

NM_000081.4(LYST):c.1913A>G (p.Asn638Ser)

Gene: LYST (lysosomal trafficking regulator; minus strand). Cytogenetic location: 1q42.3.
Variant type: single nucleotide variant.
Coding change: c.1913A>G on transcript NM_000081.4 (MANE Select); coding-DNA position 1913, A replaced by G.
Protein change: p.Asn638Ser; replaces asparagine 638 with serine.
Molecular consequence: missense variant.
Genome position (GRCh38, 1-based): chr1:235,808,905, T>C on the plus strand (A>G on the coding strand, the complement: LYST is on the minus strand). VCF-style: chr1-235808905-T-C. GRCh37 (hg19) VCF-style: chr1-235972205-T-C.
Other names: c.1913A>G, p.Asn638Ser (NM_001301365.1); c.1913A>G (NM_000081.2); short protein forms N638S.
Identifiers: ClinVar variation 839414 (VCV000839414.11), dbSNP rs757471831, ClinGen allele CA1467382.